The following is an entry in ClinVar:

ClinVar aggregate classification (germline): Conflicting classifications of pathogenicity. Review status: criteria provided, conflicting classifications (1 of 4 stars). 4 submissions from 4 submitters: Uncertain significance (2); Likely benign (2). Last evaluated 2025-12-19.

Conditions:
RGS9-related disorder. Also called: RGS9-related condition.
Inborn genetic diseases. Identifiers: MedGen C0950123, MeSH D030342.

Allele frequency attached by ClinVar (database versions not stated): gnomAD 0.00086 and 0.00090; 1000 Genomes Project 0.00100; ESP Exome Variant Server 0.00126; gnomAD exomes 0.00013; 1000 Genomes Project 30x 0.00078; TOPMed 0.00084.

Submissions (4):

PreventionGenetics, part of Exact Sciences
Classification: Likely benign for RGS9-related condition. Last evaluated: 2025-12-19. Review status: criteria provided, single submitter. Criteria: ACMG Guidelines, 2015. Collection method: clinical testing. Allele origin: germline.
Comment: This variant is classified as likely benign based on ACMG/AMP sequence variant interpretation guidelines (Richards et al. 2015 PMID: 25741868, with internal and published modifications).

Labcorp Genetics (formerly Invitae), Labcorp
Classification: Likely benign. Last evaluated: 2025-11-25. Review status: criteria provided, single submitter. Criteria: Invitae Variant Classification Sherloc (09022015). Collection method: clinical testing. Allele origin: germline.

Ambry Genetics
Classification: Uncertain significance for Inborn genetic diseases. Last evaluated: 2024-12-23. Review status: criteria provided, single submitter. Criteria: Ambry Variant Classification Scheme 2023. Collection method: clinical testing. Allele origin: germline.

Blueprint Genetics
Classification: Uncertain significance. Last evaluated: 2024-11-20. Review status: criteria provided, single submitter. Criteria: ACMG Guidelines, 2015. Collection method: clinical testing. Allele origin: germline.

NM_003835.4(RGS9):c.682G>A (p.Glu228Lys)

Gene: RGS9 (regulator of G protein signaling 9; plus strand). Cytogenetic location: 17q24.1.
Variant type: single nucleotide variant.
Coding change: c.682G>A on transcript NM_003835.4 (MANE Select); coding-DNA position 682, G replaced by A.
Protein change: p.Glu228Lys; replaces glutamic acid 228 with lysine.
Molecular consequence: missense variant.
Genome position (GRCh38, 1-based): chr17:65,189,313, G>A. VCF-style: chr17-65189313-G-A. GRCh37 (hg19) VCF-style: chr17-63185431-G-A.
Other names: c.673G>A, p.Glu225Lys (NM_001081955.3, NM_001165933.2); c.682G>A (NM_003835.3); short protein forms E225K, E228K.
Identifiers: ClinVar variation 1121986 (VCV001121986.12), dbSNP rs142843407, ClinGen allele CA8717781.